The following is an entry in ClinVar:

ClinVar aggregate classification (germline): Uncertain significance (1 of 4 stars; one submission).

Conditions:
Fanconi anemia (FA). Also called: Fanconi's anemia. Identifiers: Orphanet 84, MedGen C0015625, MeSH D005199, MONDO:0019391.

Submission:

Labcorp Genetics (formerly Invitae), Labcorp
Classification: Uncertain significance for Fanconi anemia. Last evaluated: 2022-08-23. Review status: criteria provided, single submitter. Criteria: Invitae Variant Classification Sherloc (09022015). Collection method: clinical testing. Allele origin: germline.
Comment: This sequence change replaces serine, which is neutral and polar, with asparagine, which is neutral and polar, at codon 978 of the FANCD2 protein (p.Ser978Asn). This variant is not present in population databases (gnomAD no frequency). This variant has not been reported in the literature in individuals affected with FANCD2-related conditions. Algorithms developed to predict the effect of missense changes on protein structure and function output the following: SIFT: "Tolerated"; PolyPhen-2: "Benign"; Align-GVGD: "Class C0". The asparagine amino acid residue is found in multiple mammalian species, which suggests that this missense change does not adversely affect protein function. In summary, the available evidence is currently insufficient to determine the role of this variant in disease. Therefore, it has been classified as a Variant of Uncertain Significance.

NM_001018115.3(FANCD2):c.2933G>A (p.Ser978Asn)

Genes: FANCD2 (FA complementation group D2; plus strand), LOC107303338 (3p25 FANCD2 Alu-mediated recombination region; plus strand). Cytogenetic location: 3p25.3.
Variant type: single nucleotide variant.
Coding change: c.2933G>A on transcript NM_001018115.3 (MANE Select); coding-DNA position 2933, G replaced by A.
Protein change: p.Ser978Asn; replaces serine 978 with asparagine.
Molecular consequence: missense variant.
Genome position (GRCh38, 1-based): chr3:10,078,154, G>A. VCF-style: chr3-10078154-G-A. GRCh37 (hg19) VCF-style: chr3-10119838-G-A.
Other names: c.2933G>A, p.Ser978Asn (NM_001319984.2, NM_001374254.1, NM_033084.6); c.2822G>A, p.Ser941Asn (NM_001374253.1); short protein forms S941N, S978N.
Identifiers: ClinVar variation 1906168 (VCV001906168.2), dbSNP rs2470005403, ClinGen allele CA351746256.